The following is an entry in ClinVar:

ClinVar aggregate classification (germline): Uncertain significance (1 of 4 stars; one submission).

Submission:

Labcorp Genetics (formerly Invitae), Labcorp
Classification: Uncertain significance. Last evaluated: 2025-07-02. Review status: criteria provided, single submitter. Criteria: Invitae Variant Classification Sherloc (09022015). Collection method: clinical testing. Allele origin: germline.
Comment: This sequence change replaces glutamic acid, which is acidic and polar, with lysine, which is basic and polar, at codon 628 of the CLCN4 protein (p.Glu628Lys). This variant is not present in population databases (gnomAD no frequency). This variant has not been reported in the literature in individuals affected with CLCN4-related conditions. ClinVar contains an entry for this variant (Variation ID: 3660652). Invitae Evidence Modeling of protein sequence and biophysical properties (such as structural, functional, and spatial information, amino acid conservation, physicochemical variation, residue mobility, and thermodynamic stability) has been performed for this missense variant. However, the output from this modeling did not meet the statistical confidence thresholds required to predict the impact of this variant on CLCN4 protein function. In summary, the available evidence is currently insufficient to determine the role of this variant in disease. Therefore, it has been classified as a Variant of Uncertain Significance.

NM_001830.4(CLCN4):c.1882G>A (p.Glu628Lys)

Gene: CLCN4 (Cl-/H+ antiporter 4; plus strand). Cytogenetic location: Xp22.2.
Variant type: single nucleotide variant.
Coding change: c.1882G>A on transcript NM_001830.4 (MANE Select); coding-DNA position 1882, G replaced by A.
Protein change: p.Glu628Lys; replaces glutamic acid 628 with lysine.
Molecular consequence: missense variant.
Genome position (GRCh38, 1-based): chrX:10,213,986, G>A. VCF-style: chrX-10213986-G-A. GRCh37 (hg19) VCF-style: chrX-10182026-G-A.
Other names: c.1600G>A, p.Glu534Lys (NM_001256944.2); short protein forms E628K, E534K.
Identifiers: ClinVar variation 3660652 (VCV003660652.2).